The following is an entry in ClinVar:

NM_001408.3(CELSR2):c.5973C>T (p.Phe1991=)

Gene: CELSR2 (cadherin EGF LAG seven-pass G-type receptor 2; plus strand). Cytogenetic location: 1p13.3.
Variant type: single nucleotide variant.
Coding change: c.5973C>T on transcript NM_001408.3 (MANE Select); coding-DNA position 5973, C replaced by T.
Protein change: p.Phe1991=; no amino-acid change (phenylalanine 1991 retained).
Molecular consequence: synonymous variant.
Genome position (GRCh38, 1-based): chr1:109,266,166, C>T. VCF-style: chr1-109266166-C-T. GRCh37 (hg19) VCF-style: chr1-109808788-C-T.
Identifiers: ClinVar variation 3057950 (VCV003057950.2), dbSNP rs778661369, ClinGen allele CA987712.

ClinVar aggregate classification (germline): Likely benign (0 of 4 stars; one submission).

Conditions:
CELSR2-related disorder. Also called: CELSR2-related condition.

gnomAD v4.1: 19 of 1,614,012 alleles (0.0012%); highest among the groups gnomAD compares: Admixed American, 0.0067%; no homozygotes.

Submission:

PreventionGenetics, part of Exact Sciences
Classification: Likely benign for CELSR2-related condition. Last evaluated: 2019-02-22. Review status: no assertion criteria provided. Collection method: clinical testing. Allele origin: germline.
Comment: This variant is classified as likely benign based on ACMG/AMP sequence variant interpretation guidelines (Richards et al. 2015 PMID: 25741868, with internal and published modifications).